The following is an entry in ClinVar:

NM_003126.4(SPTA1):c.1055G>A (p.Trp352Ter)

Gene: SPTA1 (spectrin alpha, erythrocytic 1; minus strand). Cytogenetic location: 1q23.1.
Variant type: single nucleotide variant.
Coding change: c.1055G>A on transcript NM_003126.4 (MANE Select); coding-DNA position 1055, G replaced by A.
Protein change: p.Trp352Ter; replaces tryptophan 352 with a stop codon.
Molecular consequence: nonsense.
Genome position (GRCh38, 1-based): chr1:158,676,198, C>T on the plus strand (G>A on the coding strand, the complement: SPTA1 is on the minus strand). VCF-style: chr1-158676198-C-T. GRCh37 (hg19) VCF-style: chr1-158645988-C-T.
Other names: short protein forms W352*.
Identifiers: ClinVar variation 2826237 (VCV002826237.3), dbSNP rs2525311821, ClinGen allele CA343017751.

ClinVar aggregate classification (germline): Pathogenic (1 of 4 stars; one submission).

Submission:

Labcorp Genetics (formerly Invitae), Labcorp
Classification: Pathogenic. Last evaluated: 2023-01-05. Review status: criteria provided, single submitter. Criteria: Invitae Variant Classification Sherloc (09022015). Collection method: clinical testing. Allele origin: germline.
Comment: For these reasons, this variant has been classified as Pathogenic. This variant has not been reported in the literature in individuals affected with SPTA1-related conditions. This variant is not present in population databases (gnomAD no frequency). This sequence change creates a premature translational stop signal (p.Trp352*) in the SPTA1 gene. It is expected to result in an absent or disrupted protein product. Loss-of-function variants in SPTA1 are known to be pathogenic (PMID: 9192783, 18815189, 31333484, 31723846, 32266426).

Literature cited by the submitters: PubMed 9192783; PubMed 18815189; PubMed 31333484; PubMed 31723846; PubMed 32266426.